The following is an entry in ClinVar:

ClinVar aggregate classification (germline): Uncertain significance. Review status: criteria provided, multiple submitters, no conflicts (2 of 4 stars). 3 submissions from 3 submitters: Uncertain significance (3). Last evaluated 2026-07-15.

Conditions:
SCN11A-related disorder. Also called: SCN11A-related condition.
Inborn genetic diseases. Identifiers: MedGen C0950123, MeSH D030342.
Familial episodic pain syndrome with predominantly lower limb involvement. Also called: Episodic pain syndrome, familial, 3. Identifiers: Orphanet 391384, Orphanet 391392, MedGen C3809899, MONDO:0014247, OMIM 615552.
Hereditary sensory and autonomic neuropathy type 7. Also called: HSAN VII; Neuropathy, hereditary sensory and autonomic, type VII. Identifiers: Orphanet 391397, MedGen C3809882, MONDO:0014244, OMIM 615548.

Allele frequency attached by ClinVar (database versions not stated): gnomAD 0.00003 and 0.00004; TOPMed 0.00003.
gnomAD v4.1: 11 of 1,610,348 alleles (0.00068%); highest among the groups gnomAD compares: African/African-American, 0.004%; no homozygotes.

Submissions (3):

PreventionGenetics, part of Exact Sciences
Classification: Uncertain significance for SCN11A-related condition. Last evaluated: 2026-07-15. Review status: criteria provided, single submitter. Criteria: ACMG Guidelines, 2015. Collection method: clinical testing. Allele origin: germline.
Comment: The SCN11A c.489G>A variant is not predicted to result in an amino acid change (p.=). This variant occurs at the first nucleotide of the exon and is predicted to possibly impact the canonical splice acceptor site (SpliceAI, Jaganathan et al. 2019. PubMed ID: 30661751). However, the use of computer prediction programs is not equivalent to functional evidence. To our knowledge, this variant has not been reported in the literature. This variant is reported in 0.0063% of alleles in individuals of African descent in gnomAD. At this time, the clinical significance of this variant is uncertain due to the absence of conclusive functional and genetic evidence.

Labcorp Genetics (formerly Invitae), Labcorp
Classification: Uncertain significance for Familial episodic pain syndrome with predominantly lower limb involvement; Hereditary sensory and autonomic neuropathy type 7. Last evaluated: 2025-07-14. Review status: criteria provided, single submitter. Criteria: Invitae Variant Classification Sherloc (09022015). Collection method: clinical testing. Allele origin: germline.
Comment: This sequence change affects codon 163 of the SCN11A mRNA. It is a 'silent' change, meaning that it does not change the encoded amino acid sequence of the SCN11A protein. It affects a nucleotide within the consensus splice site. This variant is present in population databases (no rsID available, gnomAD 0.007%). This variant has not been reported in the literature in individuals affected with SCN11A-related conditions. ClinVar contains an entry for this variant (Variation ID: 577979). Algorithms developed to predict the effect of sequence changes on RNA splicing suggest that this variant may disrupt the consensus splice site. In summary, the available evidence is currently insufficient to determine the role of this variant in disease. Therefore, it has been classified as a Variant of Uncertain Significance.

Ambry Genetics
Classification: Uncertain significance for Inborn genetic diseases. Last evaluated: 2021-06-28. Review status: criteria provided, single submitter. Criteria: Ambry Variant Classification Scheme 2023. Collection method: clinical testing. Allele origin: germline.
Comment: The c.489G>A variant (also known as p.E163E), located in coding exon 4 of the SCN11A gene, results from a G to A substitution at nucleotide position 489. This nucleotide substitution does not change the glutamic acid at codon 163. However, this change occurs in the first base pair of coding exon 4, which makes it likely to have some effect on normal mRNA splicing. This nucleotide position is not well conserved in available vertebrate species. In silico splice site analysis for this alteration is inconclusive. Since supporting evidence is limited at this time, the clinical significance of this alteration remains unclear.

NM_001349253.2(SCN11A):c.489G>A (p.Glu163=)

Gene: SCN11A (sodium voltage-gated channel alpha subunit 11; minus strand). Cytogenetic location: 3p22.2.
Variant type: single nucleotide variant.
Coding change: c.489G>A on transcript NM_001349253.2 (MANE Select); coding-DNA position 489, G replaced by A.
Protein change: p.Glu163=; no amino-acid change (glutamic acid 163 retained).
Molecular consequence: synonymous variant.
Genome position (GRCh38, 1-based): chr3:38,926,931, C>T on the plus strand (G>A on the coding strand, the complement: SCN11A is on the minus strand). VCF-style: chr3-38926931-C-T. GRCh37 (hg19) VCF-style: chr3-38968422-C-T.
Other names: c.489G>A, p.Glu163= (NM_014139.3).
Identifiers: ClinVar variation 577979 (VCV000577979.10), dbSNP rs774022892, ClinGen allele CA72975587.